The following is an entry in ClinVar:

ClinVar aggregate classification (germline): Likely benign (1 of 4 stars; one submission).

Conditions:
Breast-ovarian cancer, familial, susceptibility to, 2 (BROVCA2). Also called: BRCA2 Hereditary Breast and Ovarian Cancer. Identifiers: Orphanet 145, MedGen C2675520, MONDO:0012933, OMIM 612555. Disease mechanism: loss of function.

gnomAD v4.1: 2 of 1,613,828 alleles (0.00012%); highest among the groups gnomAD compares: Non-Finnish European, 0.00017%; no homozygotes.

Submission:

Cancer Bioinformatics and Tumour Evolution Laboratory, Monash University
Classification: Likely benign for Breast-ovarian cancer, familial, susceptibility to, 2. Last evaluated: 2026-05-01. Review status: criteria provided, single submitter. Criteria: ClinGen BRCA1 and BRCA2 Guidelines, 2024. Collection method: curation. Allele origin: germline. Inheritance: Autosomal dominant inheritance.
Comment: PMID: 39281752 - A large scale study to determine the case-control LR of BRCA1 and BRCA2 variants. The data was consolidated in the ccLR browser. This variant was found in the browser with a LR of 0.62932582 which is in the no evidence range according to the BRCA1 and BRCA2 VCEP. Hence, no evidence code is applied. Missense variant outside of a functional domain with no splice impact. BRCA1 and BRCA2 VCEP guidelines recommend application of BP1_Strong (PMID: 39142283)

Literature cited by the submitters: PubMed 39281752.

NM_000059.4(BRCA2):c.4825A>C (p.Thr1609Pro)

Gene: BRCA2 (BRCA2 DNA repair associated; plus strand). Cytogenetic location: 13q13.1.
Variant type: single nucleotide variant.
Coding change: c.4825A>C on transcript NM_000059.4 (MANE Select); coding-DNA position 4825, A replaced by C.
Protein change: p.Thr1609Pro; replaces threonine 1609 with proline.
Molecular consequence: missense variant. On other transcripts: non-coding transcript variant (1), intron variant (2).
Genome position (GRCh38, 1-based): chr13:32,339,180, A>C. VCF-style: chr13-32339180-A-C. GRCh37 (hg19) VCF-style: chr13-32913317-A-C.
Other names: c.4825A>C, p.Thr1609Pro (NM_001406719.1, NM_001406720.1, NM_001432077.1); c.1910-5378A>C (NM_001406721.1); c.425-5378A>C (NM_001406722.1); short protein forms T1609P.
Identifiers: ClinVar variation 4856491 (VCV004856491.1).